The following is an entry in ClinVar:

NM_003242.6(TGFBR2):c.310C>A (p.Pro104Thr)

Gene: TGFBR2 (transforming growth factor beta receptor 2; plus strand). Cytogenetic location: 3p24.1.
Variant type: single nucleotide variant.
Coding change: c.310C>A on transcript NM_003242.6 (MANE Select); coding-DNA position 310, C replaced by A.
Protein change: p.Pro104Thr; replaces proline 104 with threonine.
Molecular consequence: missense variant. On other transcripts: intron variant (2).
Genome position (GRCh38, 1-based): chr3:30,650,316, C>A. VCF-style: chr3-30650316-C-A. GRCh37 (hg19) VCF-style: chr3-30691808-C-A.
Other names: c.385C>A, p.Pro129Thr (NM_001024847.3, NM_001407126.1, NM_001407139.1); c.310C>A, p.Pro104Thr (NM_001407127.1, NM_001407130.1); c.337C>A, p.Pro113Thr (NM_001407128.1); c.205C>A, p.Pro69Thr (NM_001407129.1, NM_001407132.1, NM_001407133.1 and 3 more transcripts); c.170-21322C>A (NM_001407137.1); c.95-21322C>A (NM_001407138.1); short protein forms P104T, P113T, P129T, P69T.
Identifiers: ClinVar variation 3075181 (VCV003075181.2), dbSNP rs193922665, ClinGen allele CA351806800.

ClinVar aggregate classification (germline): Uncertain significance/Uncertain risk allele. Review status: criteria provided, multiple submitters, no conflicts (2 of 4 stars). 2 submissions from 2 submitters: Uncertain significance (1); Uncertain risk allele (1). Last evaluated 2023-12-18.

Conditions:
Diabetic retinopathy. Identifiers: MedGen C0011884, MONDO:0005266.
Loeys-Dietz syndrome 2 (LDS2). Also called: Marfan syndrome, type 2 (formerly); TGFBR2-Related Loeys-Dietz Syndrome; AORTIC ANEURYSM, FAMILIAL THORACIC 3; MARFAN SYNDROME, TYPE II; Marfan Syndrome type 2; Marfan like connective tissue disorder. Identifiers: Orphanet 284973, Orphanet 558, MedGen C2674574, MONDO:0012427, OMIM 610168.

Allele frequency attached by ClinVar (database versions not stated): gnomAD 0.00001; TOPMed 0.00001.
gnomAD v4.1: 4 of 1,613,856 alleles (0.00025%); highest among the groups gnomAD compares: African/African-American, 0.0027%; no homozygotes.

Submissions (2):

All of Us Research Program, National Institutes of Health
Classification: Uncertain significance for Loeys-Dietz syndrome 2. Last evaluated: 2023-12-18. Review status: criteria provided, single submitter. Criteria: ACMG Guidelines, 2015. Collection method: clinical testing. Allele origin: germline. Inheritance: Autosomal dominant inheritance. Observed: 1 variant allele, 1 heterozygote.
Comment: This missense variant replaces proline with threonine at codon 104 of the TGFBR2 protein. Computational prediction suggests that this variant may have deleterious impact on protein structure and function (internally defined REVEL score threshold >= 0.7, PMID: 27666373). To our knowledge, functional studies have not been reported for this variant. This variant has not been reported in individuals affected with TGFBR2-related disorders in the literature. This variant has been identified in 2/282406 chromosomes in the general population by the Genome Aggregation Database (gnomAD). The available evidence is insufficient to determine the role of this variant in disease conclusively. Therefore, this variant is classified as a Variant of Uncertain Significance.

This study involves interpretation of variants in research participants for the purpose of population health screening. Participant phenotype was not available at the time of variant classification. Additional details can be found in publication PMID: 35346344, PMCID: PMC8962531

Clinical Genomics, Uppaluri K&H Personalized Medicine Clinic
Classification: Uncertain risk allele for Diabetic retinopathy. Review status: criteria provided, single submitter. Criteria: K And H Uppaluri Personalized Medicine Clinic Variant Classification And Assertion Criteria Updated V 2. Collection method: research. Allele origin: unknown.
Comment: Potent mutations in TGFBR2 gene encodes the transforming growth factor that have been associated with angiogenesis and diabetic retinopathy. More clinical studies are needed for stronger association. However, more evidence is required to confer the association of this particular variant rs193922665 with diabetic retinopathy.

Literature cited by the submitters: PubMed 30222965 (cited by Clinical Genomics, Uppaluri K&H Personalized Medicine Clinic); PubMed 28162229 (cited by Clinical Genomics, Uppaluri K&H Personalized Medicine Clinic); PubMed 34572573 (cited by Clinical Genomics, Uppaluri K&H Personalized Medicine Clinic).